The following is an entry in ClinVar:

ClinVar aggregate classification (germline): Uncertain significance (1 of 4 stars; one submission).

Conditions:
Inborn genetic diseases. Identifiers: MedGen C0950123, MeSH D030342.

Submission:

Ambry Genetics
Classification: Uncertain significance for Inborn genetic diseases. Last evaluated: 2024-12-14. Review status: criteria provided, single submitter. Criteria: Ambry Variant Classification Scheme 2023. Collection method: clinical testing. Allele origin: germline.
Comment: The p.I42T variant (also known as c.125T>C), located in coding exon 2 of the ERCC6L2 gene, results from a T to C substitution at nucleotide position 125. The isoleucine at codon 42 is replaced by threonine, an amino acid with similar properties. This amino acid position is conserved. In addition, this alteration is predicted to be tolerated by in silico analysis. Based on the available evidence, the clinical significance of this variant remains unclear.

NM_020207.7(ERCC6L2):c.125T>C (p.Ile42Thr)

Gene: ERCC6L2 (ERCC excision repair 6 like 2; plus strand). Cytogenetic location: 9q22.32.
Variant type: single nucleotide variant.
Coding change: c.125T>C on transcript NM_020207.7 (MANE Select); coding-DNA position 125, T replaced by C.
Protein change: p.Ile42Thr; replaces isoleucine 42 with threonine.
Molecular consequence: missense variant. On other transcripts: non-coding transcript variant (1).
Genome position (GRCh38, 1-based): chr9:95,880,947, T>C. VCF-style: chr9-95880947-T-C. GRCh37 (hg19) VCF-style: chr9-98643229-T-C.
Other names: c.125T>C, p.Ile42Thr (NM_001010895.4, NM_001375291.1, NM_001375292.1 and 2 more transcripts); short protein forms I42T.
Identifiers: ClinVar variation 3845796 (VCV003845796.1).